The following is an entry in ClinVar:

NM_001923.5(DDB1):c.1105_1110del (p.Arg369_Gln370del)

Gene: DDB1 (damage specific DNA binding protein 1; minus strand). Cytogenetic location: 11q12.2.
Variant type: Deletion.
Coding change: c.1105_1110del on transcript NM_001923.5 (MANE Select); coding-DNA positions 1105 to 1110, 6 bases deleted (AGGCAG; older notation c.1105_1110delAGGCAG).
Protein change: p.Arg369_Gln370del.
Molecular consequence: inframe deletion.
Genome position (GRCh38, 1-based): chr11:61,322,308-61,322,313, CTGCCT deleted on the plus strand (AGGCAG on the coding strand, the reverse complement: DDB1 is on the minus strand); deleting any 6 consecutive bases within chr11:61,322,308-61,322,315 gives the same sequence; the c. name uses the placement nearest the transcript's 3' end. VCF-style (leftmost placement, unchanged base first): chr11-61322307-CCTGCCT-C. GRCh37 (hg19) VCF-style: chr11-61089779-CCTGCCT-C.
Identifiers: ClinVar variation 4886354 (VCV004886354.2).

ClinVar aggregate classification (germline): Uncertain significance (1 of 4 stars; one submission).

Submission:

Dasa
Classification: Uncertain significance. Last evaluated: 2024-11-18. Review status: criteria provided, single submitter. Criteria: DASA Assertion Criteria. Collection method: clinical testing. Allele origin: germline.
Comment: NM_001923.5(DDB1):c.1105_1110del (p.Arg369_Gln370del) is an in-frame deletion predicted to remove amino acids from arginine at protein position 369 through glutamine at protein position 370 without shifting the reading frame. This variant is rare in population databases. The currently available literature and clinical evidence are not sufficient to establish a definitive association between this variant and the reported condition. Therefore, this variant is classified as a variant of uncertain significance.